The following is an entry in ClinVar:

ClinVar aggregate classification (germline): Uncertain significance (1 of 4 stars; one submission).

Allele frequency attached by ClinVar (database versions not stated): ExAC 0.00001; gnomAD 0.00002; gnomAD exomes 0.00002; TOPMed 0.00002.
gnomAD v4.1: 38 of 1,614,076 alleles (0.0024%); highest among the groups gnomAD compares: Non-Finnish European, 0.003%; no homozygotes.

Submission:

Ambry Genetics
Classification: Uncertain significance. Last evaluated: 2023-01-06. Review status: criteria provided, single submitter. Criteria: Ambry Variant Classification Scheme 2023. Collection method: clinical testing. Allele origin: germline.
Comment: The p.N2022S variant (also known as c.6065A>G), located in coding exon 10 of the ALPK2 gene, results from an A to G substitution at nucleotide position 6065. The asparagine at codon 2022 is replaced by serine, an amino acid with highly similar properties. This amino acid position is conserved. In addition, this alteration is predicted to be tolerated by in silico analysis. Since supporting evidence is limited at this time, the clinical significance of this alteration remains unclear.

NM_052947.4(ALPK2):c.6065A>G (p.Asn2022Ser)

Gene: ALPK2 (alpha kinase 2; minus strand). Cytogenetic location: 18q21.31.
Variant type: single nucleotide variant.
Coding change: c.6065A>G on transcript NM_052947.4 (MANE Select); coding-DNA position 6065, A replaced by G.
Protein change: p.Asn2022Ser; replaces asparagine 2022 with serine.
Molecular consequence: missense variant.
Genome position (GRCh38, 1-based): chr18:58,504,113, T>C on the plus strand (A>G on the coding strand, the complement: ALPK2 is on the minus strand). VCF-style: chr18-58504113-T-C. GRCh37 (hg19) VCF-style: chr18-56171345-T-C.
Other names: short protein forms N2022S.
Identifiers: ClinVar variation 2450724 (VCV002450724.2), dbSNP rs757425296, ClinGen allele CA8976262.